The following is an entry in ClinVar:

ClinVar aggregate classification (germline): Uncertain significance. Review status: criteria provided, single submitter (1 of 4 stars). 2 submissions from 2 submitters: Uncertain significance (1). 1 of the submissions does not count toward it. Last evaluated 2022-10-05.

Conditions:
Bloom syndrome (BLM). Also called: Bloom-Torre-Machacek syndrome. Identifiers: Orphanet 125, MedGen C0005859, MONDO:0008876, OMIM 210900.

Submissions (2):

Labcorp Genetics (formerly Invitae), Labcorp
Classification: Uncertain significance for Bloom syndrome. Last evaluated: 2022-10-05. Review status: criteria provided, single submitter. Criteria: Invitae Variant Classification Sherloc (09022015). Collection method: clinical testing. Allele origin: germline.
Comment: ClinVar contains an entry for this variant (Variation ID: 1018621). This variant has not been reported in the literature in individuals affected with BLM-related conditions. This variant is not present in population databases (gnomAD no frequency). This sequence change replaces lysine, which is basic and polar, with arginine, which is basic and polar, at codon 820 of the BLM protein (p.Lys820Arg). Advanced modeling of protein sequence and biophysical properties (such as structural, functional, and spatial information, amino acid conservation, physicochemical variation, residue mobility, and thermodynamic stability) performed at Invitae indicates that this missense variant is not expected to disrupt BLM protein function. In summary, the available evidence is currently insufficient to determine the role of this variant in disease. Therefore, it has been classified as a Variant of Uncertain Significance.

Natera, Inc.
Classification: Uncertain significance for Bloom syndrome. Last evaluated: 2020-10-23. Review status: no assertion criteria provided. Collection method: clinical testing. Allele origin: germline. Not counted in ClinVar's aggregate classification.

NM_000057.4(BLM):c.2459A>G (p.Lys820Arg)

Gene: BLM (BLM RecQ like helicase; plus strand). Cytogenetic location: 15q26.1.
Variant type: single nucleotide variant.
Coding change: c.2459A>G on transcript NM_000057.4 (MANE Select); coding-DNA position 2459, A replaced by G.
Protein change: p.Lys820Arg; replaces lysine 820 with arginine.
Molecular consequence: missense variant.
Genome position (GRCh38, 1-based): chr15:90,769,490, A>G. VCF-style: chr15-90769490-A-G. GRCh37 (hg19) VCF-style: chr15-91312720-A-G.
Other names: c.2459A>G, p.Lys820Arg (NM_001287246.2, NM_001287247.2); c.1334A>G, p.Lys445Arg (NM_001287248.2); short protein forms K445R, K820R.
Identifiers: ClinVar variation 1018621 (VCV001018621.12), dbSNP rs1896238883, ClinGen allele CA393845371.